The following is an entry in ClinVar:

NM_001182.5(ALDH7A1):c.*1672A>G

Gene: ALDH7A1 (aldehyde dehydrogenase 7 family member A1; minus strand). Cytogenetic location: 5q23.2.
Variant type: single nucleotide variant.
Coding change: c.*1672A>G on transcript NM_001182.5 (MANE Select); 1672 bases downstream of the stop codon, A replaced by G.
Molecular consequence: 3 prime UTR variant.
Genome position (GRCh38, 1-based): chr5:126,543,293, T>C on the plus strand (A>G on the coding strand, the complement: ALDH7A1 is on the minus strand). VCF-style: chr5-126543293-T-C. GRCh37 (hg19) VCF-style: chr5-125878985-T-C.
Other names: c.*1672A>G (NM_001201377.2, NM_001202404.2).
Identifiers: ClinVar variation 350551 (VCV000350551.5), dbSNP rs78029541, ClinGen allele CA10619979.
Genomic context (GRCh38, chr5:126,543,293, plus strand): 5'-AAGGCATATGTTTTAATGAACATTATAACCAAAAAAAATTGAGTCCTTGTGCTAGAAACA[T>C]GTAGAAGAAAAATTATAAATTTGTTTCAAAGAAAGCTTTCAGAATCAGTTTTACCTAAAA-3'

ClinVar aggregate classification (germline): Benign (1 of 4 stars; one submission).

Conditions:
Pyridoxine-dependent epilepsy (EPEO4). Also called: Pyridoxine-Dependent Epilepsy - ALDH7A1; PYRIDOXINE DEPENDENCY WITH SEIZURES; EPILEPSY, EARLY-ONSET, 4, VITAMIN B6-DEPENDENT; Pyridoxine-Dependent Seizures. Identifiers: Orphanet 3006, MedGen C1849508, MONDO:0009945, OMIM 266100. Disease mechanism: loss of function.

Allele frequency attached by ClinVar (database versions not stated): gnomAD 0.01247 and 0.01173; TOPMed 0.01322; 1000 Genomes Project 30x 0.01452; 1000 Genomes Project 0.01458.

Submission:

Illumina Laboratory Services, Illumina
Classification: Benign for Pyridoxine-dependent epilepsy. Last evaluated: 2018-01-13. Review status: criteria provided, single submitter. Criteria: ICSL Variant Classification Criteria 13 December 2019. Collection method: clinical testing. Allele origin: germline.
Comment: This variant was observed in the ICSL laboratory as part of a predisposition screen in an ostensibly healthy population. It had not been previously curated by ICSL or reported in the Human Gene Mutation Database (HGMD: prior to June 1st, 2018), and was therefore a candidate for classification through an automated scoring system. Utilizing variant allele frequency, disease prevalence and penetrance estimates, and inheritance mode, an automated score was calculated to assess if this variant is too frequent to cause the disease. Based on the score and internal cut-off values, a variant classified as benign is not then subjected to further curation. The score for this variant resulted in a classification of benign for this disease.